The following is an entry in ClinVar:

NM_021098.3(CACNA1H):c.3086C>G (p.Thr1029Arg)

Gene: CACNA1H (calcium voltage-gated channel subunit alpha1 H; plus strand). Cytogenetic location: 16p13.3.
Variant type: single nucleotide variant.
Coding change: c.3086C>G on transcript NM_021098.3 (MANE Select); coding-DNA position 3086, C replaced by G.
Protein change: p.Thr1029Arg; replaces threonine 1029 with arginine.
Molecular consequence: missense variant.
Genome position (GRCh38, 1-based): chr16:1,207,792, C>G. VCF-style: chr16-1207792-C-G. GRCh37 (hg19) VCF-style: chr16-1257792-C-G.
Other names: c.3086C>G, p.Thr1029Arg (NM_001005407.2); short protein forms T1029R.
Identifiers: ClinVar variation 1801085 (VCV001801085.1), dbSNP rs769369128, ClinGen allele CA394171158.

ClinVar aggregate classification (germline): Uncertain significance (1 of 4 stars; one submission).

Submission:

GeneDx
Classification: Uncertain significance. Last evaluated: 2022-05-25. Review status: criteria provided, single submitter. Criteria: GeneDx Variant Classification Process June 2021. Collection method: clinical testing. Allele origin: germline. Affected: yes.
Comment: Not observed at significant frequency in large population cohorts (gnomAD); In silico analysis supports that this missense variant has a deleterious effect on protein structure/function; Has not been previously published as pathogenic or benign to our knowledge